The following is an entry in ClinVar:

ClinVar aggregate classification (germline): Likely benign. Review status: criteria provided, multiple submitters, no conflicts (2 of 4 stars). 2 submissions from 2 submitters: Likely benign (2). Last evaluated 2026-08-01.

Conditions:
Autosomal recessive limb-girdle muscular dystrophy type 2J (LGMDR10). Also called: MUSCULAR DYSTROPHY, LIMB-GIRDLE, AUTOSOMAL RECESSIVE 10; Limb-girdle muscular dystrophy, type 2J. Identifiers: Orphanet 140922, MedGen C1837342, MONDO:0012127, OMIM 608807.
Dilated cardiomyopathy 1G (CMD1G). Identifiers: Orphanet 154, MedGen C1858763, MONDO:0011400, OMIM 604145.

Submissions (2):

CeGaT Center for Human Genetics Tuebingen
Classification: Likely benign. Last evaluated: 2026-08-01. Review status: criteria provided, single submitter. Criteria: CeGaT Center For Human Genetics Tuebingen Variant Classification Criteria Version 2. Collection method: clinical testing. Allele origin: germline. Affected: yes. Observed: 2 variant alleles.
Comment: TTN: PM2:Supporting, BP4, BP7

Labcorp Genetics (formerly Invitae), Labcorp
Classification: Likely benign for Dilated cardiomyopathy 1G; Autosomal recessive limb-girdle muscular dystrophy type 2J. Last evaluated: 2026-01-31. Review status: criteria provided, single submitter. Criteria: Invitae Variant Classification Sherloc (09022015). Collection method: clinical testing. Allele origin: germline.

NM_001267550.2(TTN):c.36144C>A (p.Val12048=)

Gene: TTN (titin; minus strand). Cytogenetic location: 2q31.2.
Variant type: single nucleotide variant.
Coding change: c.36144C>A on transcript NM_001267550.2 (MANE Select); coding-DNA position 36144, C replaced by A.
Protein change: p.Val12048=; no amino-acid change (valine 12048 retained).
Molecular consequence: synonymous variant. On other transcripts: intron variant (5).
Genome position (GRCh38, 1-based): chr2:178,664,712, G>T on the plus strand (C>A on the coding strand, the complement: TTN is on the minus strand). VCF-style: chr2-178664712-G-T. GRCh37 (hg19) VCF-style: chr2-179529439-G-T.
Other names: c.13283-22395C>A (NM_003319.4); c.13859-22395C>A (NM_133437.4); c.13658-22395C>A (NM_133432.3); c.31484-1657C>A (NM_133378.4); c.34265-1657C>A (NM_001256850.1).
Identifiers: ClinVar variation 809023 (VCV000809023.43), dbSNP rs879247400, ClinGen allele CA60974805.
Genomic context (GRCh38, chr2:178,664,712, plus strand): 5'-ACCTTCATCAGGAAGGACTTCAGGCTTTCTGAGAGGAACCACAAGCGTTTTCTTTTCAGG[G>T]ACAATTTCTTGGAGAGCTTCAGGCACTTTAAGAAATTAGTAGTTTTATGTTTAGTGTTAT-3'
Protein context (NP_001254479.2, residues 12038-12058): VKVPEALQEI[Val12048=]PEKKTLVVPL